The following is an entry in ClinVar:

ClinVar aggregate classification (germline): Likely pathogenic (1 of 4 stars; one submission).

Conditions:
Syndromic X-linked intellectual disability Najm type (MICPCH). Also called: MICPCH SYNDROME; Intellectual developmental disorder and microcephaly with pontine and cerebellar hypoplasia; Mental retardation and microcephaly with pontine and cerebellar hypoplasia; MENTAL RETARDATION, X-LINKED, SYNDROMIC, NAJM TYPE; Intellectual Disability and Microcephaly with Pontine and Cerebellar Hypoplasia (MICPCH); Intellectual Disability and Microcephaly with Pontine and Cerebellar Hypoplasia. Identifiers: Orphanet 163937, MedGen C2677903, MONDO:0010417, OMIM 300749.

Submission:

3billion
Classification: Likely pathogenic for Syndromic X-linked intellectual disability Najm type. Last evaluated: 2022-09-01. Review status: criteria provided, single submitter. Criteria: ACMG Guidelines, 2015. Collection method: clinical testing. Allele origin: germline. Affected: yes. Observed: 1 heterozygote.
Comment: The variant is not observed in the gnomAD v2.1.1 dataset. Frameshift variant is predicted to result in a loss or disruption of normal protein function through nonsense-mediated decay (NMD) or protein truncation. Multiple pathogenic variants are reported downstream of the variant. Therefore, this variant is classified as Likely pathogenic according to the recommendation of ACMG/AMP guideline.

NM_001367721.1(CASK):c.1510del (p.Thr504fs)

Gene: CASK (calcium/calmodulin dependent serine protein kinase; minus strand). Cytogenetic location: Xp11.4.
Variant type: Deletion.
Coding change: c.1510del on transcript NM_001367721.1 (MANE Select); coding-DNA position 1510, one base deleted (A; older notation c.1510delA).
Protein change: p.Thr504fs; shifts the reading frame from threonine 504.
Molecular consequence: frameshift variant.
Genome position (GRCh38, 1-based): chrX:41,569,740, T deleted on the plus strand (A on the coding strand, the reverse complement: CASK is on the minus strand). VCF-style (leftmost placement, unchanged base first): chrX-41569739-GT-G. GRCh37 (hg19) VCF-style: chrX-41428992-GT-G.
Other names: c.1510delA, p.Thr504Leufs (NM_001126054.3, NM_003688.4); c.1492delA, p.Thr498Leufs (NM_001126055.3, NM_001410745.1); short protein forms T498fs, T504fs.
Identifiers: ClinVar variation 1705649 (VCV001705649.1), dbSNP rs2519797246, ClinGen allele CA2580101154.